The following is an entry in ClinVar:

NM_001999.4(FBN2):c.5069G>A (p.Cys1690Tyr)

Gene: FBN2 (fibrillin 2; minus strand). Cytogenetic location: 5q23.3.
Variant type: single nucleotide variant.
Coding change: c.5069G>A on transcript NM_001999.4 (MANE Select); coding-DNA position 5069, G replaced by A.
Protein change: p.Cys1690Tyr; replaces cysteine 1690 with tyrosine.
Molecular consequence: missense variant.
Genome position (GRCh38, 1-based): chr5:128,311,305, C>T on the plus strand (G>A on the coding strand, the complement: FBN2 is on the minus strand). VCF-style: chr5-128311305-C-T. GRCh37 (hg19) VCF-style: chr5-127646997-C-T.
Other names: short protein forms C1690Y.
Identifiers: ClinVar variation 528398 (VCV000528398.11), dbSNP rs1554120340, ClinGen allele CA360745875.

ClinVar aggregate classification (germline): Uncertain significance (1 of 4 stars; one submission).

Conditions:
Congenital contractural arachnodactyly (CCA). Also called: Beals-Hecht syndrome; BEALS SYNDROME; Arthrogryposis, distal, type 9. Identifiers: Orphanet 115, MedGen C0220668, MONDO:0007363, OMIM 121050.

Submission:

Labcorp Genetics (formerly Invitae), Labcorp
Classification: Uncertain significance for Congenital contractural arachnodactyly. Last evaluated: 2019-03-19. Review status: criteria provided, single submitter. Criteria: Invitae Variant Classification Sherloc (09022015). Collection method: clinical testing. Allele origin: germline.
Comment: This sequence change replaces cysteine with tyrosine at codon 1690 of the FBN2 protein (p.Cys1690Tyr). The cysteine residue is highly conserved and there is a large physicochemical difference between cysteine and tyrosine. This variant is not present in population databases (ExAC no frequency). In summary, the available evidence is currently insufficient to determine the role of this variant in disease. Therefore, it has been classified as a Variant of Uncertain Significance. Algorithms developed to predict the effect of missense changes on protein structure and function (SIFT, PolyPhen-2, Align-GVGD) all suggest that this variant is likely to be disruptive, but these predictions have not been confirmed by published functional studies and their clinical significance is uncertain. This variant has not been reported in the literature in individuals with FBN2-related disease.